The following is an entry in ClinVar:

ClinVar aggregate classification (germline): Uncertain significance (1 of 4 stars; one submission).

Conditions:
Congenital contractural arachnodactyly (CCA). Also called: Beals-Hecht syndrome; BEALS SYNDROME; Arthrogryposis, distal, type 9. Identifiers: Orphanet 115, MedGen C0220668, MONDO:0007363, OMIM 121050.

Submission:

Labcorp Genetics (formerly Invitae), Labcorp
Classification: Uncertain significance for Congenital contractural arachnodactyly. Last evaluated: 2024-11-18. Review status: criteria provided, single submitter. Criteria: Invitae Variant Classification Sherloc (09022015). Collection method: clinical testing. Allele origin: germline.
Comment: This sequence change replaces glycine, which is neutral and non-polar, with arginine, which is basic and polar, at codon 2335 of the FBN2 protein (p.Gly2335Arg). This variant is not present in population databases (gnomAD no frequency). This variant has not been reported in the literature in individuals affected with FBN2-related conditions. Invitae Evidence Modeling of protein sequence and biophysical properties (such as structural, functional, and spatial information, amino acid conservation, physicochemical variation, residue mobility, and thermodynamic stability) indicates that this missense variant is not expected to disrupt FBN2 protein function with a negative predictive value of 80%. In summary, the available evidence is currently insufficient to determine the role of this variant in disease. Therefore, it has been classified as a Variant of Uncertain Significance.

NM_001999.4(FBN2):c.7003G>C (p.Gly2335Arg)

Gene: FBN2 (fibrillin 2; minus strand). Cytogenetic location: 5q23.3.
Variant type: single nucleotide variant.
Coding change: c.7003G>C on transcript NM_001999.4 (MANE Select); coding-DNA position 7003, G replaced by C.
Protein change: p.Gly2335Arg; replaces glycine 2335 with arginine.
Molecular consequence: missense variant.
Genome position (GRCh38, 1-based): chr5:128,286,727, C>G on the plus strand (G>C on the coding strand, the complement: FBN2 is on the minus strand). VCF-style: chr5-128286727-C-G. GRCh37 (hg19) VCF-style: chr5-127622419-C-G.
Other names: short protein forms G2335R.
Identifiers: ClinVar variation 3703479 (VCV003703479.2).